The following is an entry in ClinVar:

ClinVar aggregate classification (germline): Uncertain significance (1 of 4 stars; one submission).

gnomAD v4.1: 9 of 1,613,558 alleles (0.00056%); highest among the groups gnomAD compares: African/African-American, 0.004%; no homozygotes.

Submission:

Labcorp Genetics (formerly Invitae), Labcorp
Classification: Uncertain significance. Last evaluated: 2025-10-02. Review status: criteria provided, single submitter. Criteria: Invitae Variant Classification Sherloc (09022015). Collection method: clinical testing. Allele origin: germline.
Comment: This sequence change replaces arginine, which is basic and polar, with tryptophan, which is neutral and slightly polar, at codon 223 of the CLCN6 protein (p.Arg223Trp). This variant is present in population databases (rs376721923, gnomAD 0.008%). This variant has not been reported in the literature in individuals affected with CLCN6-related conditions. An algorithm developed to predict the effect of missense changes on protein structure and function (PolyPhen-2) suggests that this variant is likely to be disruptive. In summary, the available evidence is currently insufficient to determine the role of this variant in disease. Therefore, it has been classified as a Variant of Uncertain Significance.

NM_001286.5(CLCN6):c.667C>T (p.Arg223Trp)

Gene: CLCN6 (Cl-/H+ antiporter 6; plus strand). Cytogenetic location: 1p36.22.
Variant type: single nucleotide variant.
Coding change: c.667C>T on transcript NM_001286.5 (MANE Select); coding-DNA position 667, C replaced by T.
Protein change: p.Arg223Trp; replaces arginine 223 with tryptophan.
Molecular consequence: missense variant. On other transcripts: non-coding transcript variant (1).
Genome position (GRCh38, 1-based): chr1:11,826,174, C>T. VCF-style: chr1-11826174-C-T. GRCh37 (hg19) VCF-style: chr1-11886231-C-T.
Other names: c.601C>T, p.Arg201Trp (NM_001256959.2); short protein forms R201W, R223W.
Identifiers: ClinVar variation 4765217 (VCV004765217.1).
Genomic context (GRCh38, chr1:11,826,174, plus strand): 5'-TATGAGTAGGCTCTTTAGTGGCTCTCTTTTCTCTTGCTTTAGTTTCAGAGCATCTCCTTA[C>T]GGAAGATCCAGTTTAACTTCCCCTATTTCCGAAGCGACAGGTATGGAAAGGTTAGAAATT-3'
Protein context (NP_001277.2, residues 213-233): GLPQFQSISL[Arg223Trp]KIQFNFPYFR